The following is an entry in ClinVar:

ClinVar aggregate classification (germline): Benign. Review status: criteria provided, multiple submitters, no conflicts (2 of 4 stars). 3 submissions from 3 submitters: Benign (3). Last evaluated 2026-02-02.

Conditions:
Vici syndrome (VICIS). Identifiers: Orphanet 1493, MedGen C1855772, MONDO:0009452, OMIM 242840.

Allele frequency attached by ClinVar (database versions not stated): gnomAD exomes 0.00472 and 0.01254; ExAC 0.01525; ESP Exome Variant Server 0.04944; gnomAD 0.04946 and 0.05283; 1000 Genomes Project 0.05531; TOPMed 0.05586; 1000 Genomes Project 30x 0.05746.
gnomAD v4.1: 14,738 of 1,611,596 alleles (0.91%); highest among the groups gnomAD compares: African/African-American, 17%; 1,157 homozygotes.

Submissions (3):

Labcorp Genetics (formerly Invitae), Labcorp
Classification: Benign for Vici syndrome. Last evaluated: 2026-02-02. Review status: criteria provided, single submitter. Criteria: Invitae Variant Classification Sherloc (09022015). Collection method: clinical testing. Allele origin: germline.

GeneDx
Classification: Benign. Last evaluated: 2018-05-31. Review status: criteria provided, single submitter. Criteria: GeneDx Variant Classification (06012015). Collection method: clinical testing. Allele origin: germline. Affected: yes.
Comment: This variant is considered likely benign or benign based on one or more of the following criteria: it is a conservative change, it occurs at a poorly conserved position in the protein, it is predicted to be benign by multiple in silico algorithms, and/or has population frequency not consistent with disease.

Breakthrough Genomics
Classification: Benign. Review status: criteria provided, single submitter. Criteria: ACMG Guidelines, 2015. Collection method: not provided. Allele origin: germline. Inheritance: Autosomal recessive inheritance. Affected: yes.

NM_020964.3(EPG5):c.5591G>A (p.Ser1864Asn)

Gene: EPG5 (ectopic P-granules 5 autophagy tethering factor; minus strand). Cytogenetic location: 18q12.3.
Variant type: single nucleotide variant.
Coding change: c.5591G>A on transcript NM_020964.3 (MANE Select); coding-DNA position 5591, G replaced by A.
Protein change: p.Ser1864Asn; replaces serine 1864 with asparagine.
Molecular consequence: missense variant.
Genome position (GRCh38, 1-based): chr18:45,880,151, C>T on the plus strand (G>A on the coding strand, the complement: EPG5 is on the minus strand). VCF-style: chr18-45880151-C-T. GRCh37 (hg19) VCF-style: chr18-43460116-C-T.
Other names: c.5591G>A, p.Ser1864Asn (LRG_1234t1); short protein forms S1864N.
Identifiers: ClinVar variation 466257 (VCV000466257.14), dbSNP rs34064739, ClinGen allele CA8948549.